The following is an entry in ClinVar:

ClinVar aggregate classification (germline): Uncertain significance (1 of 4 stars; one submission).

Conditions:
Trichorhinophalangeal dysplasia type I (TRPS1). Also called: TRICHORHINOPHALANGEAL SYNDROME, TYPE I; TRPS I. Identifiers: Orphanet 77258, MedGen C0432233, MONDO:0008596, OMIM 190350.
Trichorhinophalangeal syndrome, type III (TRPS3). Also called: SUGIO-KAJII SYNDROME. Identifiers: Orphanet 77258, MedGen C1860823, OMIM 190351, MONDO:0008597.

Allele frequency attached by ClinVar (database versions not stated): gnomAD exomes below 0.00001.
gnomAD v4.1: 5 of 1,614,168 alleles (0.00031%); highest among the groups gnomAD compares: East Asian, 0.0022%; no homozygotes.

Submission:

Labcorp Genetics (formerly Invitae), Labcorp
Classification: Uncertain significance for Trichorhinophalangeal syndrome, type III; Trichorhinophalangeal dysplasia type I. Last evaluated: 2022-12-08. Review status: criteria provided, single submitter. Criteria: Invitae Variant Classification Sherloc (09022015). Collection method: clinical testing. Allele origin: germline.
Comment: This sequence change replaces asparagine, which is neutral and polar, with serine, which is neutral and polar, at codon 308 of the TRPS1 protein (p.Asn308Ser). This variant is present in population databases (no rsID available, gnomAD 0.003%). This variant has not been reported in the literature in individuals affected with TRPS1-related conditions. Advanced modeling of protein sequence and biophysical properties (such as structural, functional, and spatial information, amino acid conservation, physicochemical variation, residue mobility, and thermodynamic stability) performed at Invitae indicates that this missense variant is not expected to disrupt TRPS1 protein function. In summary, the available evidence is currently insufficient to determine the role of this variant in disease. Therefore, it has been classified as a Variant of Uncertain Significance.

NM_014112.5(TRPS1):c.923A>G (p.Asn308Ser)

Gene: TRPS1 (transcriptional repressor GATA binding 1; minus strand). Cytogenetic location: 8q23.3.
Variant type: single nucleotide variant.
Coding change: c.923A>G on transcript NM_014112.5 (MANE Select); coding-DNA position 923, A replaced by G.
Protein change: p.Asn308Ser; replaces asparagine 308 with serine.
Molecular consequence: missense variant.
Genome position (GRCh38, 1-based): chr8:115,619,175, T>C on the plus strand (A>G on the coding strand, the complement: TRPS1 is on the minus strand). VCF-style: chr8-115619175-T-C. GRCh37 (hg19) VCF-style: chr8-116631402-T-C.
Other names: c.896A>G, p.Asn299Ser (NM_001282902.3); c.902A>G, p.Asn301Ser (NM_001282903.3); c.884A>G, p.Asn295Ser (NM_001330599.2); short protein forms N308S, N299S, N301S, N295S.
Identifiers: ClinVar variation 2946740 (VCV002946740.3), dbSNP rs1173661370, ClinGen allele CA372068558.